The following is an entry in ClinVar:

ClinVar aggregate classification (germline): Uncertain significance (1 of 4 stars; one submission).

Allele frequency attached by ClinVar (database versions not stated): gnomAD exomes below 0.00001; TOPMed below 0.00001; ExAC 0.00001.
gnomAD v4.1: 4 of 1,614,218 alleles (0.00025%); highest among the groups gnomAD compares: East Asian, 0.0022%; no homozygotes.

Submission:

Labcorp Genetics (formerly Invitae), Labcorp
Classification: Uncertain significance. Last evaluated: 2021-04-04. Review status: criteria provided, single submitter. Criteria: Invitae Variant Classification Sherloc (09022015). Collection method: clinical testing. Allele origin: germline.
Comment: This variant has not been reported in the literature in individuals with SPEG-related conditions. Algorithms developed to predict the effect of missense changes on protein structure and function are either unavailable or do not agree on the potential impact of this missense change (SIFT: "Deleterious"; PolyPhen-2: "Possibly Damaging"; Align-GVGD: "Class C0"). In summary, the available evidence is currently insufficient to determine the role of this variant in disease. Therefore, it has been classified as a Variant of Uncertain Significance. This sequence change replaces arginine with cysteine at codon 934 of the SPEG protein (p.Arg934Cys). The arginine residue is highly conserved and there is a large physicochemical difference between arginine and cysteine. This variant is present in population databases (rs34398769, ExAC 0.009%).

NM_005876.5(SPEG):c.2800C>T (p.Arg934Cys)

Gene: SPEG (striated muscle enriched protein kinase; plus strand). Cytogenetic location: 2q35.
Variant type: single nucleotide variant.
Coding change: c.2800C>T on transcript NM_005876.5 (MANE Select); coding-DNA position 2800, C replaced by T.
Protein change: p.Arg934Cys; replaces arginine 934 with cysteine.
Molecular consequence: missense variant.
Genome position (GRCh38, 1-based): chr2:219,464,527, C>T. VCF-style: chr2-219464527-C-T. GRCh37 (hg19) VCF-style: chr2-220329249-C-T.
Other names: c.253C>T, p.Arg85Cys (NM_001173476.2); short protein forms R85C, R934C.
Identifiers: ClinVar variation 1396390 (VCV001396390.8), dbSNP rs34398769, ClinGen allele CA2125956.